The following is an entry in ClinVar:

NM_000548.5(TSC2):c.1954G>T (p.Glu652Ter)

Gene: TSC2 (TSC complex subunit 2; plus strand). Cytogenetic location: 16p13.3.
Variant type: single nucleotide variant.
Coding change: c.1954G>T on transcript NM_000548.5 (MANE Select); coding-DNA position 1954, G replaced by T.
Protein change: p.Glu652Ter; replaces glutamic acid 652 with a stop codon.
Molecular consequence: nonsense.
Genome position (GRCh38, 1-based): chr16:2,071,791, G>T. VCF-style: chr16-2071791-G-T. GRCh37 (hg19) VCF-style: chr16-2121792-G-T.
Other names: c.1954G>T, p.Glu652Ter (NM_001077183.3, NM_001114382.3, NM_001363528.2 and 3 more transcripts); c.1843G>T, p.Glu615Ter (NM_001318827.2); c.1807G>T, p.Glu603Ter (NM_001318829.2); c.1354G>T, p.Glu452Ter (NM_001318831.2); c.1987G>T, p.Glu663Ter (NM_001318832.2); short protein forms E652*, E452*, E663*, E603*, E615*.
Identifiers: ClinVar variation 431929 (VCV000431929.2), dbSNP rs1555505954, ClinGen allele CA394273590.

ClinVar aggregate classification (germline): Pathogenic (1 of 4 stars; one submission).

Submission:

GeneDx
Classification: Pathogenic. Last evaluated: 2015-10-23. Review status: criteria provided, single submitter. Criteria: GeneDx Variant Classification (06012015). Collection method: clinical testing. Allele origin: germline. Affected: yes.
Comment: The E652X nonsense variant in the TSC2 gene is predicted to cause loss of normal protein function either through protein truncation or nonsense-mediated mRNA decay. It was not observed in approximately 6,500 individuals of European and African American ancestry in the NHLBI Exome Sequencing Project, indicating it is not a common benign variant in these populations. Additionally, many downstream nonsense pathogenic variants have been reported in Human Gene Mutation Database in association with tuberous sclerosis complex (Stenson et al., 2014), supporting the functional importance of this region of the protein. Although this variant has not been reported previously to our knowledge, we consider it to be pathogenic.